The following is an entry in ClinVar:

NM_014908.4(DOLK):c.137C>T (p.Ala46Val)

Gene: DOLK (dolichol kinase; minus strand). Cytogenetic location: 9q34.11.
Variant type: single nucleotide variant.
Coding change: c.137C>T on transcript NM_014908.4 (MANE Select); coding-DNA position 137, C replaced by T.
Protein change: p.Ala46Val; replaces alanine 46 with valine.
Molecular consequence: missense variant.
Genome position (GRCh38, 1-based): chr9:128,947,167, G>A on the plus strand (C>T on the coding strand, the complement: DOLK is on the minus strand). VCF-style: chr9-128947167-G-A. GRCh37 (hg19) VCF-style: chr9-131709446-G-A.
Other names: short protein forms A46V.
Identifiers: ClinVar variation 532849 (VCV000532849.9), dbSNP rs1554826859, ClinGen allele CA375128163.

ClinVar aggregate classification (germline): Uncertain significance (1 of 4 stars; one submission).

Conditions:
DK1-congenital disorder of glycosylation. Also called: CONGENITAL DISORDER OF GLYCOSYLATION, TYPE Im; CDG Im; DK1 DEFICIENCY; DOLICHOL KINASE DEFICIENCY; DOLK-congenital disorder of glycosylation; Carbohydrate deficient glycoprotein syndrome type 1m. Identifiers: Orphanet 91131, MedGen C1835849, MONDO:0012556, OMIM 610768.

Submission:

Labcorp Genetics (formerly Invitae), Labcorp
Classification: Uncertain significance for DK1-congenital disorder of glycosylation. Last evaluated: 2022-02-22. Review status: criteria provided, single submitter. Criteria: Invitae Variant Classification Sherloc (09022015). Collection method: clinical testing. Allele origin: germline.
Comment: In summary, the available evidence is currently insufficient to determine the role of this variant in disease. Therefore, it has been classified as a Variant of Uncertain Significance. Algorithms developed to predict the effect of missense changes on protein structure and function (SIFT, PolyPhen-2, Align-GVGD) all suggest that this variant is likely to be tolerated. ClinVar contains an entry for this variant (Variation ID: 532849). This variant has not been reported in the literature in individuals affected with DOLK-related conditions. This variant is not present in population databases (gnomAD no frequency). This sequence change replaces alanine, which is neutral and non-polar, with valine, which is neutral and non-polar, at codon 46 of the DOLK protein (p.Ala46Val).